The following is an entry in ClinVar:

ClinVar aggregate classification (germline): Benign. Review status: criteria provided, multiple submitters, no conflicts (2 of 4 stars). 3 submissions from 3 submitters: Benign (3). Last evaluated 2018-06-14.

Conditions:
Wolfram syndrome 1 (WFS1). Identifiers: Orphanet 3463, MedGen C4551693, MONDO:0009101, OMIM 222300.

Allele frequency attached by ClinVar (database versions not stated): 1000 Genomes Project 0.03754; 1000 Genomes Project 30x 0.04154; gnomAD 0.04351; gnomAD exomes 0.04462; TOPMed 0.05380.
gnomAD v4.1: 27,724 of 601,152 alleles (4.6%); highest among the groups gnomAD compares: Middle Eastern, 8.8%; 831 homozygotes.

Submissions (3):

GeneDx
Classification: Benign. Last evaluated: 2018-06-14. Review status: criteria provided, single submitter. Criteria: GeneDx Variant Classification (06012015). Collection method: clinical testing. Allele origin: germline. Affected: yes.
Comment: This variant is considered likely benign or benign based on one or more of the following criteria: it is a conservative change, it occurs at a poorly conserved position in the protein, it is predicted to be benign by multiple in silico algorithms, and/or has population frequency not consistent with disease.

Breakthrough Genomics
Classification: Benign. Review status: criteria provided, single submitter. Criteria: ACMG Guidelines, 2015. Collection method: not provided. Allele origin: germline. Inheritance: Autosomal recessive inheritance. Affected: yes.

Clinical Genomics, Uppaluri K&H Personalized Medicine Clinic
Classification: Benign for Wolfram syndrome 1. Review status: criteria provided, single submitter. Criteria: K & H Uppaluri Personalized Medicine Clinic Variant Classification & Assertion Criteria_Updated V.1. Collection method: research. Allele origin: unknown. Inheritance: Autosomal recessive inheritance.
Comment: Potent mutations in WFS1 gene are associated with Wolfram's syndrome, an autosomal recessive condition, which cause diabetes mellitus, diabetes insipidus, deafness and optic atrophy. However no sufficient evidence is found to ascertain the role of this particular variant rs56141488 in Wolfram's syndrome yet.

Literature cited by the submitters: PubMed 20738327 (cited by Clinical Genomics, Uppaluri K&H Personalized Medicine Clinic); PubMed 33879153 (cited by Clinical Genomics, Uppaluri K&H Personalized Medicine Clinic); PubMed 12955714 (cited by Clinical Genomics, Uppaluri K&H Personalized Medicine Clinic); PubMed 18060660 (cited by Clinical Genomics, Uppaluri K&H Personalized Medicine Clinic); PubMed 20301750 (cited by Clinical Genomics, Uppaluri K&H Personalized Medicine Clinic); PubMed 17603484 (cited by Clinical Genomics, Uppaluri K&H Personalized Medicine Clinic).

NM_006005.3(WFS1):c.316-235C>G

Gene: WFS1 (wolframin ER transmembrane glycoprotein; plus strand). Cytogenetic location: 4p16.1.
Variant type: single nucleotide variant.
Coding change: c.316-235C>G on transcript NM_006005.3 (MANE Select); 235 bases into the intron before coding-DNA position 316, C replaced by G.
Molecular consequence: intron variant.
Genome position (GRCh38, 1-based): chr4:6,288,752, C>G. VCF-style: chr4-6288752-C-G. GRCh37 (hg19) VCF-style: chr4-6290479-C-G.
Other names: c.316-235C>G (NM_001145853.1).
Identifiers: ClinVar variation 676672 (VCV000676672.3), dbSNP rs56141488, ClinGen allele CA91794281.